The following is an entry in ClinVar:

ClinVar aggregate classification (germline): Likely benign. Review status: criteria provided, multiple submitters, no conflicts (2 of 4 stars). 2 submissions from 2 submitters: Likely benign (2). Last evaluated 2025-08-31.

Conditions:
NALCN-related disorder. Also called: NALCN-related condition; NALCN-related disorders.

Allele frequency attached by ClinVar (database versions not stated): ExAC 0.00002; gnomAD exomes 0.00004; gnomAD 0.00005; ESP Exome Variant Server 0.00008.
gnomAD v4.1: 59 of 1,613,862 alleles (0.0037%); highest among the groups gnomAD compares: Non-Finnish European, 0.0044%; no homozygotes.

Submissions (2):

PreventionGenetics, part of Exact Sciences
Classification: Likely benign for NALCN-related condition. Last evaluated: 2025-08-31. Review status: criteria provided, single submitter. Criteria: ACMG Guidelines, 2015. Collection method: clinical testing. Allele origin: germline.
Comment: This variant is classified as likely benign based on ACMG/AMP sequence variant interpretation guidelines (Richards et al. 2015 PMID: 25741868, with internal and published modifications).

Labcorp Genetics (formerly Invitae), Labcorp
Classification: Likely benign. Last evaluated: 2024-05-17. Review status: criteria provided, single submitter. Criteria: Invitae Variant Classification Sherloc (09022015). Collection method: clinical testing. Allele origin: germline.

NM_052867.4(NALCN):c.4842C>T (p.Ile1614=)

Gene: NALCN (sodium leak channel, non-selective; minus strand). Cytogenetic location: 13q32.3.
Variant type: single nucleotide variant.
Coding change: c.4842C>T on transcript NM_052867.4 (MANE Select); coding-DNA position 4842, C replaced by T.
Protein change: p.Ile1614=; no amino-acid change (isoleucine 1614 retained).
Molecular consequence: synonymous variant.
Genome position (GRCh38, 1-based): chr13:101,059,881, G>A on the plus strand (C>T on the coding strand, the complement: NALCN is on the minus strand). VCF-style: chr13-101059881-G-A. GRCh37 (hg19) VCF-style: chr13-101712233-G-A.
Other names: c.4842C>T (NM_052867.2); c.4929C>T, p.Ile1643= (NM_001350748.2); c.4842C>T, p.Ile1614= (NM_001350749.2); c.4755C>T, p.Ile1585= (NM_001350750.2, NM_001350751.2).
Identifiers: ClinVar variation 2889362 (VCV002889362.4), dbSNP rs146606676, ClinGen allele CA7035007.